The following is an entry in ClinVar:

ClinVar aggregate classification (germline): Likely benign. Review status: criteria provided, single submitter (1 of 4 stars). 2 submissions from 2 submitters: Likely benign (1). 1 of the submissions does not count toward it. Last evaluated 2022-03-11.

Conditions:
JAG1-related disorder. Also called: JAG1-related condition; JAG1-related disorders.
Alagille syndrome due to a JAG1 point mutation. Also called: HEPATIC DUCTULAR HYPOPLASIA, SYNDROMATIC; JAG1-Related Alagille Syndrome; Alagille Syndrome 1. Identifiers: Orphanet 261619, Orphanet 52, MedGen C1956125, MONDO:0016862, OMIM 118450.

Allele frequency attached by ClinVar (database versions not stated): ExAC 0.00001.
gnomAD v4.1: 1 of 1,614,148 alleles (0.000062%); highest among the groups gnomAD compares: Non-Finnish European, 0.000085%; no homozygotes.

Submissions (2):

Labcorp Genetics (formerly Invitae), Labcorp
Classification: Likely benign for Alagille syndrome due to a JAG1 point mutation. Last evaluated: 2022-03-11. Review status: criteria provided, single submitter. Criteria: Invitae Variant Classification Sherloc (09022015). Collection method: clinical testing. Allele origin: germline.

PreventionGenetics, part of Exact Sciences
Classification: Likely benign for JAG1-related condition. Last evaluated: 2022-06-10. Review status: no assertion criteria provided. Collection method: clinical testing. Allele origin: germline. Not counted in ClinVar's aggregate classification.
Comment: This variant is classified as likely benign based on ACMG/AMP sequence variant interpretation guidelines (Richards et al. 2015 PMID: 25741868, with internal and published modifications).

NM_000214.3(JAG1):c.2415G>C (p.Arg805=)

Gene: JAG1 (jagged canonical Notch ligand 1; minus strand). Cytogenetic location: 20p12.2.
Variant type: single nucleotide variant.
Coding change: c.2415G>C on transcript NM_000214.3 (MANE Select); coding-DNA position 2415, G replaced by C.
Protein change: p.Arg805=; no amino-acid change (arginine 805 retained).
Molecular consequence: synonymous variant.
Genome position (GRCh38, 1-based): chr20:10,643,821, C>G on the plus strand (G>C on the coding strand, the complement: JAG1 is on the minus strand). VCF-style: chr20-10643821-C-G. GRCh37 (hg19) VCF-style: chr20-10624469-C-G.
Other names: c.2415G>C (NM_000214.2).
Identifiers: ClinVar variation 2040125 (VCV002040125.6), dbSNP rs763720023, ClinGen allele CA9764508.
Genomic context (GRCh38, chr20:10,643,821, plus strand): 5'-ACGGAGACAGTCCTTACTTATTCTGCAGTCGGGCCCAGCAAAACCCGGGGCACATTCGCA[C>G]CGGTACCAGTTGTCTCCATCCACACAGGTGCCGCTGTTGTAACTAAGAAAGCAAAGACCA-3'
Protein context (NP_000205.1, residues 795-815): GTCVDGDNWY[Arg805=]CECAPGFAGP